The following is an entry in ClinVar:

NM_001243925.2(MAPKAPK3):c.53C>T (p.Ala18Val)

Gene: MAPKAPK3 (MAPK activated protein kinase 3; plus strand). Cytogenetic location: 3p21.2.
Variant type: single nucleotide variant.
Coding change: c.53C>T on transcript NM_001243925.2 (MANE Select); coding-DNA position 53, C replaced by T.
Protein change: p.Ala18Val; replaces alanine 18 with valine.
Molecular consequence: missense variant.
Genome position (GRCh38, 1-based): chr3:50,617,618, C>T. VCF-style: chr3-50617618-C-T. GRCh37 (hg19) VCF-style: chr3-50655049-C-T.
Other names: c.53C>T, p.Ala18Val (NM_001243926.2, NM_004635.5); short protein forms A18V.
Identifiers: ClinVar variation 2003381 (VCV002003381.4), dbSNP rs745672353, ClinGen allele CA2420142.

ClinVar aggregate classification (germline): Uncertain significance (1 of 4 stars; one submission).

Submission:

Labcorp Genetics (formerly Invitae), Labcorp
Classification: Uncertain significance. Last evaluated: 2024-11-19. Review status: criteria provided, single submitter. Criteria: Invitae Variant Classification Sherloc (09022015). Collection method: clinical testing. Allele origin: germline.
Comment: This sequence change replaces alanine, which is neutral and non-polar, with valine, which is neutral and non-polar, at codon 18 of the MAPKAPK3 protein (p.Ala18Val). This variant is present in population databases (rs745672353, gnomAD 0.007%). This variant has not been reported in the literature in individuals affected with MAPKAPK3-related conditions. ClinVar contains an entry for this variant (Variation ID: 2003381). An algorithm developed to predict the effect of missense changes on protein structure and function outputs the following: PolyPhen-2: "Benign". The valine amino acid residue is found in multiple mammalian species, which suggests that this missense change does not adversely affect protein function. In summary, the available evidence is currently insufficient to determine the role of this variant in disease. Therefore, it has been classified as a Variant of Uncertain Significance.